The following is an entry in ClinVar:

NM_000257.4(MYH7):c.4762C>G (p.Arg1588Gly)

Genes: MHRT (myosin heavy chain associated RNA transcript; plus strand), MYH7 (myosin heavy chain 7; minus strand), LOC126861897 (BRD4-independent group 4 enhancer GRCh37_chr14:23884455-23885654; plus strand). Cytogenetic location: 14q11.2.
Variant type: single nucleotide variant.
Coding change: c.4762C>G on transcript NM_000257.4 (MANE Select); coding-DNA position 4762, C replaced by G.
Protein change: p.Arg1588Gly; replaces arginine 1588 with glycine.
Molecular consequence: missense variant. On other transcripts: non-coding transcript variant (1).
Genome position (GRCh38, 1-based): chr14:23,416,195, G>C on the plus strand (C>G on the coding strand, the complement: MYH7 is on the minus strand). VCF-style: chr14-23416195-G-C. GRCh37 (hg19) VCF-style: chr14-23885404-G-C.
Other names: c.4762C>G, p.Arg1588Gly (NM_001407004.1); short protein forms R1588G.
Identifiers: ClinVar variation 3400955 (VCV003400955.3).

ClinVar aggregate classification (germline): Uncertain significance. Review status: criteria provided, multiple submitters, no conflicts (2 of 4 stars). 3 submissions from 3 submitters: Uncertain significance (3). Last evaluated 2025-09-15.

Conditions:
Cardiovascular phenotype. Identifiers: MedGen CN230736.
Hypertrophic cardiomyopathy. Also called: HYPERTROPHIC MYOCARDIOPATHY. Identifiers: Orphanet 217569, MedGen C0007194, MeSH D002312, MONDO:0005045, HP:0001639.
Cardiomyopathy (CMYO). Also called: Cardiomyopathies. Identifiers: Orphanet 167848, MedGen C0878544, MONDO:0004994, HP:0001638. Inheritance: Various modes of inheritance.

gnomAD v4.1: 2 of 1,614,146 alleles (0.00012%); highest among the groups gnomAD compares: Non-Finnish European, 0.00017%; no homozygotes.

Submissions (3):

Labcorp Genetics (formerly Invitae), Labcorp
Classification: Uncertain significance for Hypertrophic cardiomyopathy. Last evaluated: 2025-09-15. Review status: criteria provided, single submitter. Criteria: Invitae Variant Classification Sherloc (09022015). Collection method: clinical testing. Allele origin: germline.
Comment: This sequence change replaces arginine, which is basic and polar, with glycine, which is neutral and non-polar, at codon 1588 of the MYH7 protein (p.Arg1588Gly). This variant is not present in population databases (gnomAD no frequency). This variant has not been reported in the literature in individuals affected with MYH7-related conditions. ClinVar contains an entry for this variant (Variation ID: 3400955). Invitae Evidence Modeling of protein sequence and biophysical properties (such as structural, functional, and spatial information, amino acid conservation, physicochemical variation, residue mobility, and thermodynamic stability) indicates that this missense variant is expected to disrupt MYH7 protein function with a positive predictive value of 95%. In summary, the available evidence is currently insufficient to determine the role of this variant in disease. Therefore, it has been classified as a Variant of Uncertain Significance.

Color Diagnostics, LLC DBA Color Health
Classification: Uncertain significance for Cardiomyopathy. Last evaluated: 2025-09-11. Review status: criteria provided, single submitter. Criteria: ACMG Guidelines, 2015. Collection method: clinical testing. Allele origin: germline.
Comment: This missense variant replaces arginine with glycine at codon 1588 of the MYH7 protein. Computational prediction suggests that this variant may have deleterious impact on protein structure and function. To our knowledge, functional studies have not been reported for this variant. This variant has not been reported in individuals affected with MYH7-related disorders in the literature. This variant has not been identified in the general population by the Genome Aggregation Database (gnomAD). The available evidence is insufficient to determine the role of this variant in disease conclusively. Therefore, this variant is classified as a Variant of Uncertain Significance.

Ambry Genetics
Classification: Uncertain significance for Cardiovascular phenotype. Last evaluated: 2024-12-10. Review status: criteria provided, single submitter. Criteria: Ambry Variant Classification Scheme 2023. Collection method: clinical testing. Allele origin: germline.
Comment: The p.R1588G variant (also known as c.4762C>G), located in coding exon 32 of the MYH7 gene, results from a C to G substitution at nucleotide position 4762. The arginine at codon 1588 is replaced by glycine, an amino acid with dissimilar properties. This amino acid position is highly conserved in available vertebrate species. In addition, this alteration is predicted to be deleterious by in silico analysis. Based on the available evidence, the clinical significance of this variant remains unclear.